The following is an entry in ClinVar:

ClinVar aggregate classification (germline): Uncertain significance (1 of 4 stars; one submission).

Conditions:
Perrault syndrome. Also called: Gonadal dysgenesis with auditory dysfunction, autosomal recessive inheritance. Identifiers: Orphanet 2855, MedGen C0685838, MONDO:0017312.
Bifunctional peroxisomal enzyme deficiency (DBIF). Also called: DBP DEFICIENCY; D-bifunctional protein deficiency; PBFE DEFICIENCY. Identifiers: Orphanet 300, MedGen C0342870, MONDO:0009855, OMIM 261515. Disease mechanism: loss of function.

gnomAD v4.1: 1 of 1,612,948 alleles (0.000062%); no homozygotes.

Submission:

Labcorp Genetics (formerly Invitae), Labcorp
Classification: Uncertain significance for Perrault syndrome; Bifunctional peroxisomal enzyme deficiency. Last evaluated: 2022-06-22. Review status: criteria provided, single submitter. Criteria: Invitae Variant Classification Sherloc (09022015). Collection method: clinical testing. Allele origin: germline.
Comment: This sequence change replaces histidine, which is basic and polar, with aspartic acid, which is acidic and polar, at codon 262 of the HSD17B4 protein (p.His262Asp). This variant is not present in population databases (gnomAD no frequency). This variant has not been reported in the literature in individuals affected with HSD17B4-related conditions. Advanced modeling of protein sequence and biophysical properties (such as structural, functional, and spatial information, amino acid conservation, physicochemical variation, residue mobility, and thermodynamic stability) performed at Invitae indicates that this missense variant is not expected to disrupt HSD17B4 protein function. In summary, the available evidence is currently insufficient to determine the role of this variant in disease. Therefore, it has been classified as a Variant of Uncertain Significance.

NM_000414.4(HSD17B4):c.784C>G (p.His262Asp)

Gene: HSD17B4 (hydroxysteroid 17-beta dehydrogenase 4; plus strand). Cytogenetic location: 5q23.1.
Variant type: single nucleotide variant.
Coding change: c.784C>G on transcript NM_000414.4 (MANE Select); coding-DNA position 784, C replaced by G.
Protein change: p.His262Asp; replaces histidine 262 with aspartic acid.
Molecular consequence: missense variant. On other transcripts: non-coding transcript variant (2).
Genome position (GRCh38, 1-based): chr5:119,493,862, C>G. VCF-style: chr5-119493862-C-G. GRCh37 (hg19) VCF-style: chr5-118829557-C-G.
Other names: c.859C>G, p.His287Asp (NM_001199291.3); c.730C>G, p.His244Asp (NM_001199292.2); c.712C>G, p.His238Asp (NM_001292027.2); c.364C>G, p.His122Asp (NM_001292028.2); c.775C>G, p.His259Asp (NM_001374497.1); c.784C>G, p.His262Asp (NM_001374498.1); c.457C>G, p.His153Asp (NM_001374499.1); c.343C>G, p.His115Asp (NM_001374500.1); and 1 more; short protein forms H262D, H125D, H153D, H238D, H259D, H115D, H122D, H244D.
Identifiers: ClinVar variation 2113080 (VCV002113080.4), dbSNP rs1352677854, ClinGen allele CA360867237.